The following is an entry in ClinVar:

ClinVar aggregate classification (germline): Uncertain significance (1 of 4 stars; one submission).

Conditions:
Meckel-Gruber syndrome. Also called: Dysencephalia splachnocystica; DYSENCEPHALIA SPLANCHNOCYSTICA; GRUBER SYNDROME. Identifiers: Orphanet 564, MedGen C0265215, MONDO:0018921.
Joubert syndrome. Also called: Familial aplasia of the vermis; JOUBERT-BOLTSHAUSER SYNDROME. Identifiers: Orphanet 475, MedGen C5979921, MONDO:0018772.

Allele frequency attached by ClinVar (database versions not stated): gnomAD 0.00001; TOPMed 0.00002.
gnomAD v4.1: 4 of 1,549,192 alleles (0.00026%); highest among the groups gnomAD compares: Admixed American, 0.0044%; no homozygotes.

Submission:

Labcorp Genetics (formerly Invitae), Labcorp
Classification: Uncertain significance for Joubert syndrome; Meckel-Gruber syndrome. Last evaluated: 2022-05-13. Review status: criteria provided, single submitter. Criteria: Invitae Variant Classification Sherloc (09022015). Collection method: clinical testing. Allele origin: germline.
Comment: This sequence change replaces alanine, which is neutral and non-polar, with glutamic acid, which is acidic and polar, at codon 232 of the CC2D2A protein (p.Ala232Glu). The frequency data for this variant in the population databases is considered unreliable, as metrics indicate poor data quality at this position in the gnomAD database. This variant has not been reported in the literature in individuals affected with CC2D2A-related conditions. ClinVar contains an entry for this variant (Variation ID: 964141). Advanced modeling of protein sequence and biophysical properties (such as structural, functional, and spatial information, amino acid conservation, physicochemical variation, residue mobility, and thermodynamic stability) performed at Invitae indicates that this missense variant is not expected to disrupt CC2D2A protein function. In summary, the available evidence is currently insufficient to determine the role of this variant in disease. Therefore, it has been classified as a Variant of Uncertain Significance.

NM_001378615.1(CC2D2A):c.695C>A (p.Ala232Glu)

Genes: CC2D2A (coiled-coil and C2 domain containing 2A; plus strand), FBXL5 (F-box and leucine rich repeat protein 5; minus strand). Cytogenetic location: 4p15.32.
Variant type: single nucleotide variant.
Coding change: c.695C>A on transcript NM_001378615.1 (MANE Select); coding-DNA position 695, C replaced by A.
Protein change: p.Ala232Glu; replaces alanine 232 with glutamic acid.
Molecular consequence: missense variant.
Genome position (GRCh38, 1-based): chr4:15,511,401, C>A. VCF-style: chr4-15511401-C-A. GRCh37 (hg19) VCF-style: chr4-15513024-C-A.
Other names: c.695C>A, p.Ala232Glu (NM_001080522.2); c.548C>A, p.Ala183Glu (NM_001378617.1); short protein forms A183E, A232E.
Identifiers: ClinVar variation 964141 (VCV000964141.7), dbSNP rs779245267, ClinGen allele CA356409059.